The following is an entry in ClinVar:

NM_005120.3(MED12):c.1102-10T>G

Gene: MED12 (mediator complex subunit 12; plus strand). Cytogenetic location: Xq13.1.
Variant type: single nucleotide variant.
Coding change: c.1102-10T>G on transcript NM_005120.3 (MANE Select); 10 bases into the intron before coding-DNA position 1102, T replaced by G.
Molecular consequence: intron variant.
Genome position (GRCh38, 1-based): chrX:71,122,190, T>G. VCF-style: chrX-71122190-T-G. GRCh37 (hg19) VCF-style: chrX-70342040-T-G.
Identifiers: ClinVar variation 4537864 (VCV004537864.1).

ClinVar aggregate classification (germline): Uncertain significance (1 of 4 stars; one submission).

Submission:

GeneDx
Classification: Uncertain significance. Last evaluated: 2025-06-10. Review status: criteria provided, single submitter. Criteria: GeneDx Variant Classification Process June 2021. Collection method: clinical testing. Allele origin: germline. Affected: yes.
Comment: Not observed at significant frequency in large population cohorts (gnomAD); Has not been previously published as pathogenic or benign to our knowledge; In silico analysis is inconclusive as to whether the variant alters gene splicing. In the absence of RNA/functional studies, the actual effect of this sequence change is unknown.